The following is an entry in ClinVar:

NM_001267550.2(TTN):c.45617-1G>C

Gene: TTN (titin; minus strand). Cytogenetic location: 2q31.2.
Variant type: single nucleotide variant.
Coding change: c.45617-1G>C on transcript NM_001267550.2 (MANE Select); the canonical splice acceptor site of the intron before coding-DNA position 45617, G replaced by C.
Molecular consequence: splice acceptor variant.
Genome position (GRCh38, 1-based): chr2:178,620,994, C>G on the plus strand (G>C on the coding strand, the complement: TTN is on the minus strand). VCF-style: chr2-178620994-C-G. GRCh37 (hg19) VCF-style: chr2-179485721-C-G.
Other names: c.18422-1G>C (NM_003319.4); c.18998-1G>C (NM_133437.4); c.18797-1G>C (NM_133432.3); c.37913-1G>C (NM_133378.4); c.40694-1G>C (NM_001256850.1).
Identifiers: ClinVar variation 1781177 (VCV001781177.2), dbSNP rs2471025366, ClinGen allele CA349633116.

ClinVar aggregate classification (germline): Likely pathogenic (1 of 4 stars; one submission).

Conditions:
Cardiovascular phenotype. Identifiers: MedGen CN230736.

Submission:

Ambry Genetics
Classification: Likely pathogenic for Cardiovascular phenotype. Last evaluated: 2021-03-09. Review status: criteria provided, single submitter. Criteria: Ambry Variant Classification Scheme 2023. Collection method: clinical testing. Allele origin: germline.
Comment: The c.18422-1G>C intronic variant results from a G to C substitution one nucleotide upstream from coding exon 74 of the TTN gene. Exon 74 is located in the I-band region of the N2-B isoform of the titin protein and is constitutively expressed in TTN transcripts (percent spliced in or PSI 100%). This alteration disrupts the canonical splice site and is expected to cause aberrant splicing, resulting in an abnormal protein or a transcript that is subject to nonsense-mediated mRNA decay. While loss of function variants in TTN are present in 1-3% of the general population, truncating variants (a category that includes canonical splice site variants) in the A-band are the most common cause of dilated cardiomyopathy (DCM) (Herman DS et al. N. Engl. J. Med., 2012 Feb;366:619-28; Roberts AM et al. Sci Transl Med, 2015 Jan;7:270ra6). TTN truncating variants encoded in constitutive exons (PSI >90%) have been found to be significantly associated with DCM regardless of their position in titin (Schafer S et al. Nat. Genet., 2017 01;49:46-53). As such, this alteration is classified as likely pathogenic.